The following is an entry in ClinVar:

ClinVar aggregate classification (germline): Uncertain significance. Review status: criteria provided, multiple submitters, no conflicts (2 of 4 stars). 2 submissions from 2 submitters: Uncertain significance (2). Last evaluated 2025-08-14.

Conditions:
MHC class II deficiency. Also called: BLS, TYPE II; Bare lymphocyte syndrome 2. Identifiers: Orphanet 572, MedGen C5447452, MONDO:0008855.

Allele frequency attached by ClinVar (database versions not stated): ExAC 0.00001; ESP Exome Variant Server 0.00008.
gnomAD v4.1: 3 of 1,614,084 alleles (0.00019%); highest among the groups gnomAD compares: African/African-American, 0.004%; no homozygotes.

Submissions (2):

Ambry Genetics
Classification: Uncertain significance. Last evaluated: 2025-08-14. Review status: criteria provided, single submitter. Criteria: Ambry Variant Classification Scheme 2023. Collection method: clinical testing. Allele origin: germline.

Labcorp Genetics (formerly Invitae), Labcorp
Classification: Uncertain significance for MHC class II deficiency. Last evaluated: 2022-08-31. Review status: criteria provided, single submitter. Criteria: Invitae Variant Classification Sherloc (09022015). Collection method: clinical testing. Allele origin: germline.
Comment: This sequence change replaces glycine, which is neutral and non-polar, with arginine, which is basic and polar, at codon 182 of the RFX5 protein (p.Gly182Arg). This variant is present in population databases (rs146781151, gnomAD 0.01%). This variant has not been reported in the literature in individuals affected with RFX5-related conditions. ClinVar contains an entry for this variant (Variation ID: 1447996). Algorithms developed to predict the effect of missense changes on protein structure and function (SIFT, PolyPhen-2, Align-GVGD) all suggest that this variant is likely to be tolerated. In summary, the available evidence is currently insufficient to determine the role of this variant in disease. Therefore, it has been classified as a Variant of Uncertain Significance.

NM_001025603.2(RFX5):c.544G>C (p.Gly182Arg)

Gene: RFX5 (regulatory factor X5; minus strand). Cytogenetic location: 1q21.3.
Variant type: single nucleotide variant.
Coding change: c.544G>C on transcript NM_001025603.2 (MANE Select); coding-DNA position 544, G replaced by C.
Protein change: p.Gly182Arg; replaces glycine 182 with arginine.
Molecular consequence: missense variant.
Genome position (GRCh38, 1-based): chr1:151,344,208, C>G on the plus strand (G>C on the coding strand, the complement: RFX5 is on the minus strand). VCF-style: chr1-151344208-C-G. GRCh37 (hg19) VCF-style: chr1-151316684-C-G.
Other names: c.544G>C (NM_000449.3); c.544G>C, p.Gly182Arg (NM_000449.4, NM_001379412.1, NM_001379413.1 and 5 more transcripts); c.424G>C, p.Gly142Arg (NM_001379419.1, NM_001379420.1); short protein forms G182R, G142R.
Identifiers: ClinVar variation 1447996 (VCV001447996.5), dbSNP rs146781151, ClinGen allele CA1089805.